The following is an entry in ClinVar:

NM_020693.4(DSCAML1):c.2360-3C>T

Gene: DSCAML1 (DS cell adhesion molecule like 1; minus strand). Cytogenetic location: 11q23.3.
Variant type: single nucleotide variant.
Coding change: c.2360-3C>T on transcript NM_020693.4 (MANE Select); 3 bases into the intron before coding-DNA position 2360, C replaced by T.
Molecular consequence: intron variant.
Genome position (GRCh38, 1-based): chr11:117,482,165, G>A on the plus strand (C>T on the coding strand, the complement: DSCAML1 is on the minus strand). VCF-style: chr11-117482165-G-A. GRCh37 (hg19) VCF-style: chr11-117352880-G-A.
Other names: c.2360-3C>T (NM_001367904.1).
Identifiers: ClinVar variation 1399373 (VCV001399373.6), dbSNP rs371637278, ClinGen allele CA6297029.

ClinVar aggregate classification (germline): Uncertain significance (1 of 4 stars; one submission).

Allele frequency attached by ClinVar (database versions not stated): ESP Exome Variant Server 0.00008.
gnomAD v4.1: 17 of 1,613,732 alleles (0.0011%); highest among the groups gnomAD compares: African/African-American, 0.013%; no homozygotes.

Submission:

Labcorp Genetics (formerly Invitae), Labcorp
Classification: Uncertain significance. Last evaluated: 2024-10-03. Review status: criteria provided, single submitter. Criteria: Invitae Variant Classification Sherloc (09022015). Collection method: clinical testing. Allele origin: germline.
Comment: This sequence change falls in intron 11 of the DSCAML1 gene. It does not directly change the encoded amino acid sequence of the DSCAML1 protein. It affects a nucleotide within the consensus splice site. This variant is present in population databases (rs371637278, gnomAD 0.006%). This variant has not been reported in the literature in individuals affected with DSCAML1-related conditions. ClinVar contains an entry for this variant (Variation ID: 1399373). Variants that disrupt the consensus splice site are a relatively common cause of aberrant splicing (PMID: 17576681, 9536098). Algorithms developed to predict the effect of sequence changes on RNA splicing suggest that this variant is not likely to affect RNA splicing. In summary, the available evidence is currently insufficient to determine the role of this variant in disease. Therefore, it has been classified as a Variant of Uncertain Significance.

Literature cited by the submitters: PubMed 17576681; PubMed 9536098.